The following is an entry in ClinVar:

NM_002907.4(RECQL):c.1944T>A (p.Asp648Glu)

Genes: PYROXD1 (pyridine nucleotide-disulphide oxidoreductase domain 1; plus strand), RECQL (RecQ like helicase; minus strand). Cytogenetic location: 12p12.1.
Variant type: single nucleotide variant.
Coding change: c.1944T>A on transcript NM_002907.4 (MANE Select); coding-DNA position 1944, T replaced by A.
Protein change: p.Asp648Glu; replaces aspartic acid 648 with glutamic acid.
Molecular consequence: missense variant. On other transcripts: 3 prime UTR variant (3).
Genome position (GRCh38, 1-based): chr12:21,470,200, A>T on the plus strand (T>A on the coding strand, the complement: RECQL is on the minus strand). VCF-style: chr12-21470200-A-T. GRCh37 (hg19) VCF-style: chr12-21623134-A-T.
Other names: c.1944T>A, p.Asp648Glu (NM_032941.3); c.*1446A>T (NM_001350912.2, NM_001350913.2, NM_024854.5); short protein forms D648E.
Identifiers: ClinVar variation 3313530 (VCV003313530.1).

ClinVar aggregate classification (germline): Uncertain significance (1 of 4 stars; one submission).

Submission:

Ambry Genetics
Classification: Uncertain significance. Last evaluated: 2024-06-12. Review status: criteria provided, single submitter. Criteria: Ambry Variant Classification Scheme 2023. Collection method: clinical testing. Allele origin: germline.
Comment: The p.D648E variant (also known as c.1944T>A), located in coding exon 14 of the RECQL gene, results from a T to A substitution at nucleotide position 1944. The aspartic acid at codon 648 is replaced by glutamic acid, an amino acid with highly similar properties. This amino acid position is conserved. In addition, this alteration is predicted to be tolerated by in silico analysis. Based on the available evidence, the clinical significance of this variant remains unclear.